The following is an entry in ClinVar:

ClinVar aggregate classification (germline): Pathogenic (1 of 4 stars; one submission).

Conditions:
Kennedy disease (SMAX1). Also called: SPINAL AND BULBAR MUSCULAR ATROPHY, X-LINKED 1; KENNEDY SPINAL AND BULBAR MUSCULAR ATROPHY; Spinal and Bulbar Muscular Atrophy. Identifiers: Orphanet 481, MedGen C1839259, MONDO:0010735, OMIM 313200.
Androgen resistance syndrome (AIS). Also called: ANDROGEN RECEPTOR DEFICIENCY; DIHYDROTESTOSTERONE RECEPTOR DEFICIENCY; Androgen insensitivity; DHTR DEFICIENCY; TESTICULAR FEMINIZATION SYNDROME; Androgen insensitivity syndrome. Identifiers: Orphanet 754, Orphanet 99429, MedGen C0039585, MONDO:0019154, OMIM 300068. Disease mechanism: loss of function.

Submission:

Labcorp Genetics (formerly Invitae), Labcorp
Classification: Pathogenic for Kennedy disease; Androgen resistance syndrome. Last evaluated: 2021-09-16. Review status: criteria provided, single submitter. Criteria: Invitae Variant Classification Sherloc (09022015). Collection method: clinical testing. Allele origin: germline.
Comment: For these reasons, this variant has been classified as Pathogenic. This variant disrupts a region of the AR protein in which other variant(s) (p.Asp696Asn) have been determined to be pathogenic (PMID: 1775137, 31499074; Invitae). This suggests that this is a clinically significant region of the protein, and that variants that disrupt it are likely to be disease-causing. Experimental studies and prediction algorithms are not available or were not evaluated, and the functional significance of this variant is currently unknown. A similar copy number variant has been observed in individual(s) with azoospermia (PMID: 1750490). This variant is a gross deletion of the genomic region encompassing exon(s) 4 of the AR gene. This variant would be expected to be in-frame, preserving the integrity of the reading frame.

Literature cited by the submitters: PubMed 1775137; PubMed 31499074; PubMed 1750490.

NC_000023.10:g.(?_66931224)_(66931551_?)del

Gene: AR (androgen receptor; plus strand). Cytogenetic location: Xq12.
Variant type: Deletion.
Identifiers: ClinVar variation 1460010 (VCV001460010.4).